The following is an entry in ClinVar:

ClinVar aggregate classification (germline): Uncertain significance (1 of 4 stars; one submission).

Allele frequency attached by ClinVar (database versions not stated): gnomAD 0.00001; ExAC 0.00002; gnomAD exomes 0.00002; TOPMed 0.00002.
gnomAD v4.1: 29 of 1,614,014 alleles (0.0018%); highest among the groups gnomAD compares: Non-Finnish European, 0.0025%; no homozygotes.

Submission:

Labcorp Genetics (formerly Invitae), Labcorp
Classification: Uncertain significance. Last evaluated: 2026-01-16. Review status: criteria provided, single submitter. Criteria: Invitae Variant Classification Sherloc (09022015). Collection method: clinical testing. Allele origin: germline.
Comment: This sequence change replaces threonine, which is neutral and polar, with serine, which is neutral and polar, at codon 25 of the JAK1 protein (p.Thr25Ser). This variant is present in population databases (rs767215058, gnomAD 0.004%). This variant has not been reported in the literature in individuals affected with JAK1-related conditions. ClinVar contains an entry for this variant (Variation ID: 1408992). Invitae Evidence Modeling of protein sequence and biophysical properties (such as structural, functional, and spatial information, amino acid conservation, physicochemical variation, residue mobility, and thermodynamic stability) indicates that this missense variant is expected to disrupt JAK1 protein function with a positive predictive value of 80%. In summary, the available evidence is currently insufficient to determine the role of this variant in disease. Therefore, it has been classified as a Variant of Uncertain Significance.

NM_002227.4(JAK1):c.74C>G (p.Thr25Ser)

Genes: JAK1 (Janus kinase 1; minus strand), LOC129930680 (ATAC-STARR-seq lymphoblastoid active region 1132; plus strand). Cytogenetic location: 1p31.3.
Variant type: single nucleotide variant.
Coding change: c.74C>G on transcript NM_002227.4 (MANE Select); coding-DNA position 74, C replaced by G.
Protein change: p.Thr25Ser; replaces threonine 25 with serine.
Molecular consequence: missense variant.
Genome position (GRCh38, 1-based): chr1:64,883,408, G>C on the plus strand (C>G on the coding strand, the complement: JAK1 is on the minus strand). VCF-style: chr1-64883408-G-C. GRCh37 (hg19) VCF-style: chr1-65349091-G-C.
Other names: c.74C>G, p.Thr25Ser (NM_001320923.2, NM_001321852.2, NM_001321853.2 and 4 more transcripts); short protein forms T25S.
Identifiers: ClinVar variation 1408992 (VCV001408992.6), dbSNP rs767215058, ClinGen allele CA893248.